The following is an entry in ClinVar:

NM_000124.4(ERCC6):c.1066G>T (p.Glu356Ter)

Gene: ERCC6 (ERCC excision repair 6, chromatin remodeling factor; minus strand). Cytogenetic location: 10q11.23.
Variant type: single nucleotide variant.
Coding change: c.1066G>T on transcript NM_000124.4 (MANE Select); coding-DNA position 1066, G replaced by T.
Protein change: p.Glu356Ter; replaces glutamic acid 356 with a stop codon.
Molecular consequence: nonsense.
Genome position (GRCh38, 1-based): chr10:49,524,364, C>A on the plus strand (G>T on the coding strand, the complement: ERCC6 is on the minus strand). VCF-style: chr10-49524364-C-A. GRCh37 (hg19) VCF-style: chr10-50732410-C-A.
Other names: c.1066G>T, p.Glu356Ter (NM_001277058.2, NM_001277059.2, NM_001346440.2); short protein forms E356*.
Identifiers: ClinVar variation 1433939 (VCV001433939.8), dbSNP rs1837257225, ClinGen allele CA376753138.
Genomic context (GRCh38, chr10:49,524,364, plus strand): 5'-GGAAATACTCAGACTCTTCACCCTCAGAGTCTCCCTCTGCCTCTGGCCTCATGTCTGACT[C>A]CCAAGGTCTCCTTGCCTTTGGCAATCCCACTTTCCCCTGGAACTGCAAAGCCCTCTTCTG-3'

ClinVar aggregate classification (germline): Pathogenic/Likely pathogenic. Review status: criteria provided, multiple submitters, no conflicts (2 of 4 stars). 3 submissions from 3 submitters: Pathogenic (1); Likely pathogenic (2). Last evaluated 2025-02-11.

Conditions:
ERCC6-related disorder. Also called: ERCC6-related condition; ERCC6-related disorders. Identifiers: MedGen CN239385.

Allele frequency attached by ClinVar (database versions not stated): gnomAD exomes below 0.00001.
gnomAD v4.1: 1 of 1,614,200 alleles (0.000062%); highest among the groups gnomAD compares: Non-Finnish European, 0.000085%; no homozygotes.

Submissions (3):

Greenwood Genetic Center Diagnostic Laboratories, Greenwood Genetic Center
Classification: Likely pathogenic for ERCC6-related disorder. Last evaluated: 2025-02-11. Review status: criteria provided, single submitter. Criteria: ACMG Guidelines, 2015. Collection method: clinical testing. Allele origin: germline. Affected: yes.
Comment: PVS1, PM2

Labcorp Genetics (formerly Invitae), Labcorp
Classification: Pathogenic. Last evaluated: 2023-11-22. Review status: criteria provided, single submitter. Criteria: Invitae Variant Classification Sherloc (09022015). Collection method: clinical testing. Allele origin: germline.
Comment: This sequence change creates a premature translational stop signal (p.Glu356*) in the ERCC6 gene. It is expected to result in an absent or disrupted protein product. Loss-of-function variants in ERCC6 are known to be pathogenic (PMID: 18628313, 29572252). This variant is not present in population databases (gnomAD no frequency). This variant has not been reported in the literature in individuals affected with ERCC6-related conditions. ClinVar contains an entry for this variant (Variation ID: 1433939). For these reasons, this variant has been classified as Pathogenic.

Blueprint Genetics
Classification: Likely pathogenic for ERCC6-related disorders. Last evaluated: 2022-06-28. Review status: criteria provided, single submitter. Criteria: ACMG Guidelines, 2015. Collection method: clinical testing. Allele origin: germline. Affected: yes. Observed: 3 variant alleles.

Literature cited by the submitters: PubMed 18628313 (cited by Labcorp Genetics (formerly Invitae), Labcorp); PubMed 29572252 (cited by Labcorp Genetics (formerly Invitae), Labcorp).